The following is an entry in ClinVar:

NM_001378452.1(ITPR1):c.366+4G>A

Gene: ITPR1 (inositol 1,4,5-trisphosphate receptor type 1; plus strand). Cytogenetic location: 3p26.1.
Variant type: single nucleotide variant.
Coding change: c.366+4G>A on transcript NM_001378452.1 (MANE Select); 4 bases into the intron after coding-DNA position 366, G replaced by A.
Molecular consequence: intron variant.
Genome position (GRCh38, 1-based): chr3:4,639,474, G>A. VCF-style: chr3-4639474-G-A. GRCh37 (hg19) VCF-style: chr3-4681158-G-A.
Other names: c.366+4G>A (NM_001099952.4, NM_001168272.2, NM_002222.7).
Identifiers: ClinVar variation 2286177 (VCV002286177.2), dbSNP rs2470590510, ClinGen allele CA2577493337.

ClinVar aggregate classification (germline): Uncertain significance (1 of 4 stars; one submission).

Conditions:
Inborn genetic diseases. Identifiers: MedGen C0950123, MeSH D030342.

Allele frequency attached by ClinVar (database versions not stated): gnomAD exomes below 0.00001.

Submission:

Ambry Genetics
Classification: Uncertain significance for Inborn genetic diseases. Last evaluated: 2022-06-01. Review status: criteria provided, single submitter. Criteria: Ambry Variant Classification Scheme 2023. Collection method: clinical testing. Allele origin: germline.
Comment: The c.366+4G>A intronic alteration consists of a G to A substitution 4 nucleotides after exon 6 (coding exon 4) of the ITPR1 gene. Based on insufficient or conflicting evidence, the clinical significance of this alteration remains unclear.